The following is an entry in ClinVar:

NM_000541.5(SAG):c.76-727A>C

Gene: SAG (S-antigen visual arrestin; plus strand). Cytogenetic location: 2q37.1.
Variant type: single nucleotide variant.
Coding change: c.76-727A>C on transcript NM_000541.5 (MANE Select); 727 bases into the intron before coding-DNA position 76, A replaced by C.
Molecular consequence: intron variant.
Genome position (GRCh38, 1-based): chr2:233,315,348, A>C. VCF-style: chr2-233315348-A-C. GRCh37 (hg19) VCF-style: chr2-234223994-A-C.
Identifiers: ClinVar variation 3235811 (VCV003235811.1), dbSNP rs533251550, ClinGen allele CA67537665.

ClinVar aggregate classification (germline): Uncertain significance (1 of 4 stars; one submission).

Submission:

Greenwood Genetic Center Diagnostic Laboratories, Greenwood Genetic Center
Classification: Uncertain significance. Last evaluated: 2024-03-22. Review status: criteria provided, single submitter. Criteria: ACMG Guidelines, 2015. Collection method: clinical testing. Allele origin: germline. Affected: yes.
Comment: PM2